The following is an entry in ClinVar:

NM_013352.4(DSE):c.1792G>C (p.Val598Leu)

Gene: DSE (dermatan sulfate epimerase; plus strand). Cytogenetic location: 6q22.1.
Variant type: single nucleotide variant.
Coding change: c.1792G>C on transcript NM_013352.4 (MANE Select); coding-DNA position 1792, G replaced by C.
Protein change: p.Val598Leu; replaces valine 598 with leucine.
Molecular consequence: missense variant. On other transcripts: 3 prime UTR variant (2), non-coding transcript variant (1).
Genome position (GRCh38, 1-based): chr6:116,436,260, G>C. VCF-style: chr6-116436260-G-C. GRCh37 (hg19) VCF-style: chr6-116757423-G-C.
Other names: c.1792G>C, p.Val598Leu (NM_001080976.3, NM_001322937.2, NM_001322938.2); c.1849G>C, p.Val617Leu (NM_001322939.2); c.1231G>C, p.Val411Leu (NM_001322940.2, NM_001322941.2); c.*657G>C (NM_001322943.2, NM_001322944.2); c.793G>C, p.Val265Leu (NM_001374520.1); c.757G>C, p.Val253Leu (NM_001374521.1); short protein forms V253L, V265L, V411L, V598L, V617L.
Identifiers: ClinVar variation 4536011 (VCV004536011.1).
Genomic context (GRCh38, chr6:116,436,260, plus strand): 5'-AGTCCCTTGGAGACAGCAGCGAGCTTCTTCCATAATGTGGATGTTCCTTTTGAGGAGACT[G>C]TGGTAGATGGTGTCCATGGGGCTTTCATCAGGCAGAGAGATGGTCTCTATAAAATGTACT-3'
Protein context (NP_037484.1, residues 588-608): HNVDVPFEET[Val598Leu]VDGVHGAFIR

ClinVar aggregate classification (germline): Uncertain significance (1 of 4 stars; one submission).

gnomAD v4.1: 2 of 1,614,156 alleles (0.00012%); highest among the groups gnomAD compares: Non-Finnish European, 0.00017%; no homozygotes.

Submission:

Women's Health and Genetics/Laboratory Corporation of America, LabCorp
Classification: Uncertain significance. Last evaluated: 2025-09-24. Review status: criteria provided, single submitter. Criteria: LabCorp Variant Classification Summary - May 2015. Collection method: clinical testing. Allele origin: germline.
Comment: Variant summary: DSE c.1792G>C (p.Val598Leu) results in a conservative amino acid change in the encoded protein sequence. Algorithms developed to predict the effect of missense changes on protein structure and function all suggest that this variant is likely to be tolerated. The variant was absent in 251338 control chromosomes. The available data on variant occurrences in the general population are insufficient to allow any conclusion about variant significance. To our knowledge, no occurrence of c.1792G>C in individuals affected with DSE-related conditions and no experimental evidence demonstrating its impact on protein function have been reported. No submitters have cited clinical-significance assessments for this variant to ClinVar. Based on the evidence outlined above, the variant was classified as uncertain significance.